The following is an entry in ClinVar:

ClinVar aggregate classification (germline): Uncertain significance. Review status: criteria provided, multiple submitters, no conflicts (2 of 4 stars). 5 submissions from 5 submitters: Uncertain significance (5). Last evaluated 2025-12-11.

Conditions:
Epidermolysis bullosa simplex, Ogna type (EBS5A). Also called: Pidermolysis bullosa simplex 5A, Ogna type; EPIDERMOLYSIS BULLOSA SIMPLEX 5A, OGNA TYPE. Identifiers: Orphanet 79401, MedGen C0432317, MONDO:0007555, OMIM 131950.
Autosomal recessive limb-girdle muscular dystrophy type 2Q (LGMDR17). Also called: MUSCULAR DYSTROPHY, LIMB-GIRDLE, AUTOSOMAL RECESSIVE 17. Identifiers: Orphanet 254361, MedGen C3150989, MONDO:0013390, OMIM 613723.
Epidermolysis bullosa simplex 5B, with muscular dystrophy (EBS5B). Also called: Epidermolysis bullosa simplex with muscular dystrophy; EPIDERMOLYSIS BULLOSA SIMPLEX AND LIMB-GIRDLE MUSCULAR DYSTROPHY. Identifiers: Orphanet 257, MedGen C2931072, MONDO:0009181, OMIM 226670.
Epidermolysis bullosa simplex with nail dystrophy (EBS5D). Identifiers: MedGen C4225309, MONDO:0014661, OMIM 616487.
Epidermolysis bullosa simplex 5C, with pyloric atresia (EBS5C). Also called: PLEC-Related Epidermolysis Bullosa with Pyloric Atresia; Epidermolysis bullosa simplex with pyloric atresia; PLEC1-Related Epidermolysis Bullosa with Pyloric Atresia. Identifiers: Orphanet 158684, MedGen C2677349, MONDO:0012807, OMIM 612138.
Inborn genetic diseases. Identifiers: MedGen C0950123, MeSH D030342.

Allele frequency attached by ClinVar (database versions not stated): ESP Exome Variant Server 0.00008; TOPMed 0.00012; gnomAD 0.00013; gnomAD exomes 0.00013 and 0.00015; ExAC 0.00016.
gnomAD v4.1: 241 of 1,610,842 alleles (0.015%); highest among the groups gnomAD compares: Non-Finnish European, 0.018%; no homozygotes.

Submissions (5):

Labcorp Genetics (formerly Invitae), Labcorp
Classification: Uncertain significance for Autosomal recessive limb-girdle muscular dystrophy type 2Q; Epidermolysis bullosa simplex, Ogna type; Epidermolysis bullosa simplex with nail dystrophy; Epidermolysis bullosa simplex 5C, with pyloric atresia; Epidermolysis bullosa simplex 5B, with muscular dystrophy. Last evaluated: 2025-12-11. Review status: criteria provided, single submitter. Criteria: Invitae Variant Classification Sherloc (09022015). Collection method: clinical testing. Allele origin: germline.
Comment: This sequence change replaces threonine, which is neutral and polar, with methionine, which is neutral and non-polar, at codon 2705 of the PLEC protein (p.Thr2705Met). This variant is present in population databases (rs201093335, gnomAD 0.02%). This missense change has been observed in individual(s) with clinical features of PLEC-related conditions (internal data). ClinVar contains an entry for this variant (Variation ID: 471654). An algorithm developed to predict the effect of missense changes on protein structure and function (PolyPhen-2) suggests that this variant is likely to be disruptive. In summary, the available evidence is currently insufficient to determine the role of this variant in disease. Therefore, it has been classified as a Variant of Uncertain Significance.

Ambry Genetics
Classification: Uncertain significance for Inborn genetic diseases. Last evaluated: 2025-11-20. Review status: criteria provided, single submitter. Criteria: Ambry Variant Classification Scheme 2023. Collection method: clinical testing. Allele origin: germline.

Revvity Omics, Revvity
Classification: Uncertain significance. Last evaluated: 2025-06-25. Review status: criteria provided, single submitter. Criteria: ACMG Guidelines, 2015. Collection method: clinical testing. Allele origin: germline.

CeGaT Center for Human Genetics Tuebingen
Classification: Uncertain significance. Last evaluated: 2023-05-01. Review status: criteria provided, single submitter. Criteria: CeGaT Center For Human Genetics Tuebingen Variant Classification Criteria Version 2. Collection method: clinical testing. Allele origin: germline. Affected: yes. Observed: 1 variant allele.
Comment: PLEC: PM2, BP1, BP4

Athena Diagnostics
Classification: Uncertain significance. Last evaluated: 2018-12-24. Review status: criteria provided, single submitter. Criteria: Athena Diagnostics Criteria. Collection method: clinical testing. Allele origin: germline.

NM_201384.3(PLEC):c.8033C>T (p.Thr2678Met)

Gene: PLEC (plectin; minus strand). Cytogenetic location: 8q24.3.
Variant type: single nucleotide variant.
Coding change: c.8033C>T on transcript NM_201384.3 (MANE Select); coding-DNA position 8033, C replaced by T.
Protein change: p.Thr2678Met; replaces threonine 2678 with methionine.
Molecular consequence: missense variant.
Genome position (GRCh38, 1-based): chr8:143,921,788, G>A on the plus strand (C>T on the coding strand, the complement: PLEC is on the minus strand). VCF-style: chr8-143921788-G-A. GRCh37 (hg19) VCF-style: chr8-144995956-G-A.
Other names: c.8114C>T, p.Thr2705Met (NM_000445.5); c.7991C>T, p.Thr2664Met (NM_201378.4); c.7967C>T, p.Thr2656Met (NM_201379.3); c.8444C>T, p.Thr2815Met (NM_201380.4); c.7937C>T, p.Thr2646Met (NM_201381.3); c.8033C>T, p.Thr2678Met (NM_201382.4); c.8045C>T, p.Thr2682Met (NM_201383.3); short protein forms T2646M, T2664M, T2678M, T2682M, T2815M, T2705M, T2656M.
Identifiers: ClinVar variation 471654 (VCV000471654.42), dbSNP rs201093335, ClinGen allele CA4925445.